The following is an entry in ClinVar:

ClinVar aggregate classification (germline): Uncertain significance (1 of 4 stars; one submission).

Submission:

GeneDx
Classification: Uncertain significance. Last evaluated: 2024-09-03. Review status: criteria provided, single submitter. Criteria: GeneDx Variant Classification Process June 2021. Collection method: clinical testing. Allele origin: germline. Affected: yes.
Comment: Not observed at significant frequency in large population cohorts (gnomAD); In silico analysis indicates that this missense variant does not alter protein structure/function; Has not been previously published as pathogenic or benign to our knowledge

NM_006766.5(KAT6A):c.5126A>C (p.Asn1709Thr)

Gene: KAT6A (lysine acetyltransferase 6A; minus strand). Cytogenetic location: 8p11.21.
Variant type: single nucleotide variant.
Coding change: c.5126A>C on transcript NM_006766.5 (MANE Select); coding-DNA position 5126, A replaced by C.
Protein change: p.Asn1709Thr; replaces asparagine 1709 with threonine.
Molecular consequence: missense variant.
Genome position (GRCh38, 1-based): chr8:41,933,094, T>G on the plus strand (A>C on the coding strand, the complement: KAT6A is on the minus strand). VCF-style: chr8-41933094-T-G. GRCh37 (hg19) VCF-style: chr8-41790612-T-G.
Other names: short protein forms N1709T.
Identifiers: ClinVar variation 3765981 (VCV003765981.1).